The following is an entry in ClinVar:

NM_001134793.2(HYLS1):c.839G>T (p.Arg280Leu)

Genes: HYLS1 (HYLS1 centriolar and ciliogenesis associated; plus strand), PUS3 (pseudouridine synthase 3; minus strand). Cytogenetic location: 11q24.2.
Variant type: single nucleotide variant.
Coding change: c.839G>T on transcript NM_001134793.2 (MANE Select); coding-DNA position 839, G replaced by T.
Protein change: p.Arg280Leu; replaces arginine 280 with leucine.
Molecular consequence: missense variant. On other transcripts: intron variant (2).
Genome position (GRCh38, 1-based): chr11:125,900,207, G>T. VCF-style: chr11-125900207-G-T. GRCh37 (hg19) VCF-style: chr11-125770102-G-T.
Other names: c.839G>T, p.Arg280Leu (NM_001377269.1, NM_001377270.1, NM_001424364.1 and 1 more transcripts); c.-247+2963C>A (NM_001271985.2); c.-47+2963C>A (NM_031307.4); short protein forms R280L.
Identifiers: ClinVar variation 2573700 (VCV002573700.1), dbSNP rs139714318, ClinGen allele CA383205827.

ClinVar aggregate classification (germline): Uncertain significance (1 of 4 stars; one submission).

Submission:

GeneDx
Classification: Uncertain significance. Last evaluated: 2023-01-20. Review status: criteria provided, single submitter. Criteria: GeneDx Variant Classification Process June 2021. Collection method: clinical testing. Allele origin: germline. Affected: yes.
Comment: Not observed at significant frequency in large population cohorts (gnomAD); In silico analysis supports that this missense variant has a deleterious effect on protein structure/function; Has not been previously published as pathogenic or benign to our knowledge